The following is an entry in ClinVar:

ClinVar aggregate classification (germline): Likely pathogenic (1 of 4 stars; one submission).

Conditions:
Retinitis pigmentosa 76 (RP76). Identifiers: MedGen C4310704, MONDO:0014929, OMIM 617123.
Muscular dystrophy-dystroglycanopathy (congenital with brain and eye anomalies), type A3. Also called: WALKER-WARBURG SYNDROME OR MUSCLE-EYE-BRAIN DISEASE, POMGNT1-RELATED; Muscular dystrophy-dystroglycanopathy (congenital with brain and eye anomalies), type A, 3; Congenital muscular dystrophy-dystroglycanopathy with brain and eye anomalies, type A3. Identifiers: MedGen C3151519, MONDO:0009667, OMIM 253280.
Autosomal recessive limb-girdle muscular dystrophy type 2O. Also called: MUSCULAR DYSTROPHY-DYSTROGLYCANOPATHY (LIMB-GIRDLE), TYPE C, 3; MUSCULAR DYSTROPHY-DYSTROGLYCANOPATHY, LIMB-GIRDLE, POMGNT1-RELATED; Limb-Girdle Muscular Dystrophy Type 3C. Identifiers: Orphanet 206564, MedGen C3150417, MONDO:0013161, OMIM 613157.
Muscular dystrophy-dystroglycanopathy (congenital with impaired intellectual development), type B, 3. Also called: MUSCULAR DYSTROPHY, CONGENITAL, POMGNT1-RELATED; Muscular dystrophy-dystroglycanopathy (congenital with intellectual disability), type B3. Identifiers: MedGen C3150412, MONDO:0013155, OMIM 613151.

Submission:

Juno Genomics, Hangzhou Juno Genomics, Inc
Classification: Likely pathogenic for Muscular dystrophy-dystroglycanopathy (congenital with impaired intellectual development), type B, 3; Muscular dystrophy-dystroglycanopathy (congenital with brain and eye anomalies), type A3; Autosomal recessive limb-girdle muscular dystrophy type 2O; Retinitis pigmentosa 76. Review status: criteria provided, single submitter. Criteria: ACMG Guidelines, 2015. Collection method: clinical testing. Allele origin: germline.
Comment: Null variant in a gene where loss of function (LOF) is a known mechanism of disease.;Absent from controls (or at extremely low frequency if recessive) in Genome Aggregation Database.

NM_017739.4(POMGNT1):c.695_696del (p.Ser232fs)

Genes: POMGNT1 (protein O-linked mannose N-acetylglucosaminyltransferase 1 (beta 1,2-); minus strand), TSPAN1 (tetraspanin 1; plus strand). Cytogenetic location: 1p34.1.
Variant type: Microsatellite.
Coding change: c.695_696del on transcript NM_017739.4 (MANE Select); coding-DNA positions 695 to 696, 2 bases deleted (CT; older notation c.695_696delCT).
Protein change: p.Ser232fs; shifts the reading frame from serine 232.
Molecular consequence: frameshift variant.
Genome position (GRCh38, 1-based): chr1:46,194,608-46,194,609, AG deleted on the plus strand (CT on the coding strand, the reverse complement: POMGNT1 is on the minus strand); deleting any 2 consecutive bases within chr1:46,194,608-46,194,613 gives the same sequence; the c. name uses the placement nearest the transcript's 3' end. VCF-style (leftmost placement, unchanged base first): chr1-46194607-AAG-A. GRCh37 (hg19) VCF-style: chr1-46660279-AAG-A.
Other names: c.695_696del, p.Ser232fs (NM_001243766.2, NM_001410783.1, NM_001437653.1 and 3 more transcripts); c.629_630del, p.Ser210fs (NM_001290129.3, NM_001438691.1, NM_001438692.1); c.266_267del, p.Ser89fs (NM_001290130.2); short protein forms S210fs, S232fs, S89fs.
Identifiers: ClinVar variation 5006799 (VCV005006799.2).